The following is an entry in ClinVar:

ClinVar aggregate classification (germline): Likely benign. Review status: criteria provided, multiple submitters, no conflicts (2 of 4 stars). 2 submissions from 2 submitters: Likely benign (2). Last evaluated 2023-10-04.

Conditions:
Intellectual developmental disorder, X-linked 1. Also called: Atkin Flaitz Patil Smith syndrome; MENTAL RETARDATION, X-LINKED 18; MENTAL RETARDATION, X-LINKED 78; Intellectual disability, X-linked 1. Identifiers: Orphanet 777, MedGen C2931498, MONDO:0010656, OMIM 309530.

Allele frequency attached by ClinVar (database versions not stated): TOPMed 0.00001.

Submissions (2):

Women's Health and Genetics/Laboratory Corporation of America, LabCorp
Classification: Likely benign. Last evaluated: 2023-10-04. Review status: criteria provided, single submitter. Criteria: LabCorp Variant Classification Summary - May 2015. Collection method: clinical testing. Allele origin: germline.
Comment: Variant summary: IQSEC2 c.1000-17C>G alters a non-conserved nucleotide located at a position not widely known to affect splicing. Consensus agreement among computation tools predict no significant impact on normal splicing. However, these predictions have yet to be confirmed by functional studies. The variant was absent in 172573 control chromosomes. The available data on variant occurrences in the general population are insufficient to allow any conclusion about variant significance. To our knowledge, no occurrence of c.1000-17C>G in individuals affected with Intellectual Disability, X-Linked 1 and no experimental evidence demonstrating its impact on protein function have been reported. No submitters have cited clinical-significance assessments for this variant to ClinVar after 2014. Based on the evidence outlined above, the variant was classified as likely benign.

Labcorp Genetics (formerly Invitae), Labcorp
Classification: Likely benign for Intellectual developmental disorder, X-linked 1. Last evaluated: 2022-11-28. Review status: criteria provided, single submitter. Criteria: Invitae Variant Classification Sherloc (09022015). Collection method: clinical testing. Allele origin: germline.

NM_001111125.3(IQSEC2):c.1000-17C>G

Gene: IQSEC2 (IQ motif and Sec7 domain ArfGEF 2; minus strand). Cytogenetic location: Xp11.22.
Variant type: single nucleotide variant.
Coding change: c.1000-17C>G on transcript NM_001111125.3 (MANE Select); 17 bases into the intron before coding-DNA position 1000, C replaced by G.
Molecular consequence: intron variant.
Genome position (GRCh38, 1-based): chrX:53,254,948, G>C on the plus strand (C>G on the coding strand, the complement: IQSEC2 is on the minus strand). VCF-style: chrX-53254948-G-C. GRCh37 (hg19) VCF-style: chrX-53284130-G-C.
Other names: c.1000-17C>G (NM_001410736.1); c.385-17C>G (NM_015075.2).
Identifiers: ClinVar variation 2637592 (VCV002637592.4), dbSNP rs1256325569, ClinGen allele CA876280982.